The following is an entry in ClinVar:

ClinVar aggregate classification (germline): Uncertain significance (1 of 4 stars; one submission).

Conditions:
Glycogen storage disease due to muscle and heart glycogen synthase deficiency. Also called: GSD 0b; MUSCLE GLYCOGEN SYNTHASE DEFICIENCY. Identifiers: Orphanet 137625, MedGen C1969054, MONDO:0012693, OMIM 611556.

Allele frequency attached by ClinVar (database versions not stated): gnomAD exomes below 0.00001; TOPMed below 0.00001.
gnomAD v4.1: 1 of 1,583,584 alleles (0.000063%); highest among the groups gnomAD compares: Admixed American, 0.0017%; no homozygotes.

Submission:

Labcorp Genetics (formerly Invitae), Labcorp
Classification: Uncertain significance for Glycogen storage disease due to muscle and heart glycogen synthase deficiency. Last evaluated: 2021-09-24. Review status: criteria provided, single submitter. Criteria: Invitae Variant Classification Sherloc (09022015). Collection method: clinical testing. Allele origin: germline.
Comment: This sequence change replaces glutamic acid with lysine at codon 724 of the GYS1 protein (p.Glu724Lys). The glutamic acid residue is moderately conserved and there is a small physicochemical difference between glutamic acid and lysine. This variant is not present in population databases (ExAC no frequency). This variant has not been reported in the literature in individuals affected with GYS1-related conditions. Algorithms developed to predict the effect of missense changes on protein structure and function are either unavailable or do not agree on the potential impact of this missense change (SIFT: "Deleterious"; PolyPhen-2: "Not Available"; Align-GVGD: "Class C0"). In summary, the available evidence is currently insufficient to determine the role of this variant in disease. Therefore, it has been classified as a Variant of Uncertain Significance.

NM_002103.5(GYS1):c.2170G>A (p.Glu724Lys)

Gene: GYS1 (glycogen synthase 1; minus strand). Cytogenetic location: 19q13.33.
Variant type: single nucleotide variant.
Coding change: c.2170G>A on transcript NM_002103.5 (MANE Select); coding-DNA position 2170, G replaced by A.
Protein change: p.Glu724Lys; replaces glutamic acid 724 with lysine.
Molecular consequence: missense variant. On other transcripts: non-coding transcript variant (1).
Genome position (GRCh38, 1-based): chr19:48,969,332, C>T on the plus strand (G>A on the coding strand, the complement: GYS1 is on the minus strand). VCF-style: chr19-48969332-C-T. GRCh37 (hg19) VCF-style: chr19-49472589-C-T.
Other names: c.1978G>A, p.Glu660Lys (NM_001161587.2); short protein forms E724K, E660K.
Identifiers: ClinVar variation 1403031 (VCV001403031.6), dbSNP rs1053724936, ClinGen allele CA309381804.
Genomic context (GRCh38, chr19:48,969,332, plus strand): 5'-GTGTGGTGGGGCGGACTTAGTTACGCTCCTCGCCCAGGGAGCTGGTGGGGCTGAGGGGCT[C>T]GCTCGGGGTGCTGAGTGAGCTGGAGGTGGCCGTGTCCACAGAGTTGCGCTTGCTGCCGCT-3'
Protein context (NP_002094.2, residues 714-734): ATSSSLSTPS[Glu724Lys]PLSPTSSLGE